The following is an entry in ClinVar:

NM_173630.4(RTTN):c.208A>G (p.Arg70Gly)

Gene: RTTN (rotatin; minus strand). Cytogenetic location: 18q22.2.
Variant type: single nucleotide variant.
Coding change: c.208A>G on transcript NM_173630.4 (MANE Select); coding-DNA position 208, A replaced by G.
Protein change: p.Arg70Gly; replaces arginine 70 with glycine.
Molecular consequence: missense variant. On other transcripts: 5 prime UTR variant (1).
Genome position (GRCh38, 1-based): chr18:70,205,139, T>C on the plus strand (A>G on the coding strand, the complement: RTTN is on the minus strand). VCF-style: chr18-70205139-T-C. GRCh37 (hg19) VCF-style: chr18-67872375-T-C.
Other names: c.208A>G (NM_173630.3); c.-2346A>G (NM_001318520.2); short protein forms R70G.
Identifiers: ClinVar variation 1348161 (VCV001348161.9), dbSNP rs759058292, ClinGen allele CA8996563.

ClinVar aggregate classification (germline): Uncertain significance. Review status: criteria provided, multiple submitters, no conflicts (2 of 4 stars). 2 submissions from 2 submitters: Uncertain significance (2). Last evaluated 2024-09-20.

Conditions:
Inborn genetic diseases. Identifiers: MedGen C0950123, MeSH D030342.

Allele frequency attached by ClinVar (database versions not stated): TOPMed below 0.00001; ExAC 0.00001; gnomAD 0.00001.
gnomAD v4.1: 4 of 1,614,060 alleles (0.00025%); highest among the groups gnomAD compares: Non-Finnish European, 0.00034%; no homozygotes.

Submissions (2):

Ambry Genetics
Classification: Uncertain significance for Inborn genetic diseases. Last evaluated: 2024-09-20. Review status: criteria provided, single submitter. Criteria: Ambry Variant Classification Scheme 2023. Collection method: clinical testing. Allele origin: germline.

Labcorp Genetics (formerly Invitae), Labcorp
Classification: Uncertain significance. Last evaluated: 2022-07-19. Review status: criteria provided, single submitter. Criteria: Invitae Variant Classification Sherloc (09022015). Collection method: clinical testing. Allele origin: germline.
Comment: ClinVar contains an entry for this variant (Variation ID: 1348161). In summary, the available evidence is currently insufficient to determine the role of this variant in disease. Therefore, it has been classified as a Variant of Uncertain Significance. Algorithms developed to predict the effect of missense changes on protein structure and function (SIFT, PolyPhen-2, Align-GVGD) all suggest that this variant is likely to be tolerated. This variant has not been reported in the literature in individuals affected with RTTN-related conditions. This variant is present in population databases (rs759058292, gnomAD 0.0009%). This sequence change replaces arginine, which is basic and polar, with glycine, which is neutral and non-polar, at codon 70 of the RTTN protein (p.Arg70Gly).